The following is an entry in ClinVar:

NM_001005242.3(PKP2):c.2182C>T (p.Pro728Ser)

Gene: PKP2 (plakophilin 2; minus strand). Cytogenetic location: 12p11.21.
Variant type: single nucleotide variant.
Coding change: c.2182C>T on transcript NM_001005242.3 (MANE Select); coding-DNA position 2182, C replaced by T.
Protein change: p.Pro728Ser; replaces proline 728 with serine.
Molecular consequence: missense variant. On other transcripts: intron variant (2).
Genome position (GRCh38, 1-based): chr12:32,796,284, G>A on the plus strand (C>T on the coding strand, the complement: PKP2 is on the minus strand). VCF-style: chr12-32796284-G-A. GRCh37 (hg19) VCF-style: chr12-32949218-G-A.
Other names: c.2017C>T, p.Pro673Ser (NM_001407156.1); c.1855C>T, p.Pro619Ser (NM_001407158.1, NM_001407159.1); c.2314C>T, p.Pro772Ser (NM_004572.4); c.2168-3553C>T (NM_001407155.1); c.1841-3553C>T (NM_001407160.1); short protein forms P619S, P673S, P728S, P772S.
Identifiers: ClinVar variation 2573529 (VCV002573529.3), dbSNP rs2541190403, ClinGen allele CA384357947.

ClinVar aggregate classification (germline): Uncertain significance. Review status: criteria provided, multiple submitters, no conflicts (2 of 4 stars). 2 submissions from 2 submitters: Uncertain significance (2). Last evaluated 2023-06-10.

Conditions:
Cardiomyopathy (CMYO). Also called: Cardiomyopathies. Identifiers: Orphanet 167848, MedGen C0878544, MONDO:0004994, HP:0001638. Inheritance: Various modes of inheritance.

Allele frequency attached by ClinVar (database versions not stated): gnomAD exomes below 0.00001.
gnomAD v4.1: 6 of 1,612,748 alleles (0.00037%); highest among the groups gnomAD compares: East Asian, 0.013%; no homozygotes.

Submissions (2):

Women's Health and Genetics/Laboratory Corporation of America, LabCorp
Classification: Uncertain significance. Last evaluated: 2023-06-10. Review status: criteria provided, single submitter. Criteria: LabCorp Variant Classification Summary - May 2015. Collection method: clinical testing. Allele origin: germline.

Color Diagnostics, LLC DBA Color Health
Classification: Uncertain significance for Cardiomyopathy. Last evaluated: 2023-01-23. Review status: criteria provided, single submitter. Criteria: ACMG Guidelines, 2015. Collection method: clinical testing. Allele origin: germline.
Comment: This missense variant replaces proline with serine at codon 772 of the PKP2 protein. Computational prediction suggests that this variant may not impact protein structure and function (internally defined REVEL score threshold <= 0.5, PMID: 27666373). To our knowledge, functional studies have not been reported for this variant. This variant has not been reported in individuals affected with PKP2-related disorders in the literature. This variant has not been identified in the general population by the Genome Aggregation Database (gnomAD). The available evidence is insufficient to determine the role of this variant in disease conclusively. Therefore, this variant is classified as a Variant of Uncertain Significance.